The following is an entry in ClinVar:

ClinVar aggregate classification (germline): Likely benign (1 of 4 stars; one submission).

Allele frequency attached by ClinVar (database versions not stated): gnomAD 0.00002.
gnomAD v4.1: 12 of 1,087,686 alleles (0.0011%); highest among the groups gnomAD compares: Middle Eastern, 0.082%; no homozygotes.

Submission:

CeGaT Center for Human Genetics Tuebingen
Classification: Likely benign. Last evaluated: 2026-01-01. Review status: criteria provided, single submitter. Criteria: CeGaT Center For Human Genetics Tuebingen Variant Classification Criteria Version 2. Collection method: clinical testing. Allele origin: germline. Affected: yes. Observed: 2 variant alleles.
Comment: CASZ1: BS1

NM_001079843.3(CASZ1):c.4948G>T (p.Gly1650Cys)

Gene: CASZ1 (castor zinc finger 1; minus strand). Cytogenetic location: 1p36.22.
Variant type: single nucleotide variant.
Coding change: c.4948G>T on transcript NM_001079843.3 (MANE Select); coding-DNA position 4948, G replaced by T.
Protein change: p.Gly1650Cys; replaces glycine 1650 with cysteine.
Molecular consequence: missense variant.
Genome position (GRCh38, 1-based): chr1:10,639,274, C>A on the plus strand (G>T on the coding strand, the complement: CASZ1 is on the minus strand). VCF-style: chr1-10639274-C-A. GRCh37 (hg19) VCF-style: chr1-10699331-C-A.
Other names: short protein forms G1650C.
Identifiers: ClinVar variation 2638204 (VCV002638204.24), dbSNP rs867235383, ClinGen allele CA17863189.